The following is an entry in ClinVar:

ClinVar aggregate classification (germline): Uncertain significance (1 of 4 stars; one submission).

Submission:

Labcorp Genetics (formerly Invitae), Labcorp
Classification: Uncertain significance. Last evaluated: 2026-01-28. Review status: criteria provided, single submitter. Criteria: Invitae Variant Classification Sherloc (09022015). Collection method: clinical testing. Allele origin: germline.
Comment: This sequence change replaces glutamic acid, which is acidic and polar, with aspartic acid, which is acidic and polar, at codon 1554 of the POLE protein (p.Glu1554Asp). This variant is not present in population databases (gnomAD no frequency). This variant has not been reported in the literature in individuals affected with POLE-related conditions. ClinVar contains an entry for this variant (Variation ID: 1366747). Invitae Evidence Modeling of protein sequence and biophysical properties (such as structural, functional, and spatial information, amino acid conservation, physicochemical variation, residue mobility, and thermodynamic stability) indicates that this missense variant is not expected to disrupt POLE protein function with a negative predictive value of 80%. In summary, the available evidence is currently insufficient to determine the role of this variant in disease. Therefore, it has been classified as a Variant of Uncertain Significance.

NM_006231.4(POLE):c.4662A>C (p.Glu1554Asp)

Gene: POLE (DNA polymerase epsilon, catalytic subunit; minus strand). Cytogenetic location: 12q24.33.
Variant type: single nucleotide variant.
Coding change: c.4662A>C on transcript NM_006231.4 (MANE Select); coding-DNA position 4662, A replaced by C.
Protein change: p.Glu1554Asp; replaces glutamic acid 1554 with aspartic acid.
Molecular consequence: missense variant.
Genome position (GRCh38, 1-based): chr12:132,642,886, T>G on the plus strand (A>C on the coding strand, the complement: POLE is on the minus strand). VCF-style: chr12-132642886-T-G. GRCh37 (hg19) VCF-style: chr12-133219472-T-G.
Other names: short protein forms E1554D.
Identifiers: ClinVar variation 1366747 (VCV001366747.6), dbSNP rs2138540328, ClinGen allele CA387378927.
Genomic context (GRCh38, chr12:132,642,886, plus strand): 5'-GGCGAGCAGGAATCGCTGGATGGCTCTGCAGATGGTCTTCAGGTCAGTTTCTGCCCGAAC[T>G]TCGAAGGTGTGTTTGGGGGGTGGCAGGAGCTCAGGGCCCACCTTCTCCAGGAGGAGGCCG-3'
Protein context (NP_006222.2, residues 1544-1564): ELLPPPKHTF[Glu1554Asp]VRAETDLKTI